The following is an entry in ClinVar:

ClinVar aggregate classification (germline): Benign/Likely benign. Review status: criteria provided, multiple submitters, no conflicts (2 of 4 stars). 3 submissions from 3 submitters: Benign (1); Likely benign (2). Last evaluated 2026-06-16.

Conditions:
Gastrointestinal stromal tumor. Also called: Gastrointestinal stromal tumor, somatic; Gastrointestinal stroma tumor. Identifiers: Orphanet 44890, MedGen C0238198, MeSH D046152, MONDO:0011719, OMIM 606764, HP:0100723.
Polyps, multiple and recurrent inflammatory fibroid, gastrointestinal. Identifiers: MedGen C5193005, MONDO:0008285, OMIM 175510.
Hereditary cancer-predisposing syndrome. Also called: Neoplastic Syndromes, Hereditary; Tumor predisposition; Hereditary Cancer Syndrome; Hereditary neoplastic syndrome. Identifiers: Orphanet 140162, MedGen C0027672, MeSH D009386, MONDO:0015356.

Allele frequency attached by ClinVar (database versions not stated): gnomAD exomes below 0.00001; gnomAD 0.00001; 1000 Genomes Project 30x 0.00016.
gnomAD v4.1: 2 of 1,614,154 alleles (0.00012%); highest among the groups gnomAD compares: Non-Finnish European, 0.00017%; no homozygotes.

Submissions (3):

Myriad Genetics, Inc.
Classification: Benign for Polyps, multiple and recurrent inflammatory fibroid, gastrointestinal. Last evaluated: 2026-06-16. Review status: criteria provided, single submitter. Criteria: Myriad Autosomal Dominant, Autosomal Recessive and X-Linked Classification Criteria (2023). Collection method: clinical testing. Allele origin: unknown.
Comment: This variant is considered benign. This variant is a silent/synonymous amino acid change and it is not expected to impact splicing.

Ambry Genetics
Classification: Likely benign for Hereditary cancer-predisposing syndrome. Last evaluated: 2026-01-14. Review status: criteria provided, single submitter. Criteria: Ambry Variant Classification Scheme 2023. Collection method: clinical testing. Allele origin: germline.

Labcorp Genetics (formerly Invitae), Labcorp
Classification: Likely benign for Gastrointestinal stromal tumor. Last evaluated: 2025-12-09. Review status: criteria provided, single submitter. Criteria: Invitae Variant Classification Sherloc (09022015). Collection method: clinical testing. Allele origin: germline.

NM_006206.6(PDGFRA):c.762A>G (p.Lys254=)

Gene: PDGFRA (platelet derived growth factor receptor alpha; plus strand). Cytogenetic location: 4q12.
Variant type: single nucleotide variant.
Coding change: c.762A>G on transcript NM_006206.6 (MANE Select); coding-DNA position 762, A replaced by G.
Protein change: p.Lys254=; no amino-acid change (lysine 254 retained).
Molecular consequence: synonymous variant.
Genome position (GRCh38, 1-based): chr4:54,267,291, A>G. VCF-style: chr4-54267291-A-G. GRCh37 (hg19) VCF-style: chr4-55133458-A-G.
Other names: c.762A>G, p.Lys254= (NM_001347827.2, NM_001347829.2); c.837A>G, p.Lys279= (NM_001347828.2); c.801A>G, p.Lys267= (NM_001347830.2).
Identifiers: ClinVar variation 2781315 (VCV002781315.5), dbSNP rs113498710, ClinGen allele CA96851858.
Genomic context (GRCh38, chr4:54,267,291, plus strand): 5'-GAGTTCACTCCTAGGAGCGAGCTTTTTAAAAGTCGGTTTTCTTCCCCTTTTGCTGTAGAA[A>G]GGCAAAGGCATCACAATGCTGGAAGAAATCAAAGTCCCATCCATCAAATTGGTGTACACT-3'
Protein context (NP_006197.1, residues 244-264): DLQWTYPGEV[Lys254=]GKGITMLEEI